The following is an entry in ClinVar:

NM_004239.4(TRIP11):c.5124C>T (p.Asn1708=)

Gene: TRIP11 (thyroid hormone receptor interactor 11; minus strand). Cytogenetic location: 14q32.12.
Variant type: single nucleotide variant.
Coding change: c.5124C>T on transcript NM_004239.4 (MANE Select); coding-DNA position 5124, C replaced by T.
Protein change: p.Asn1708=; no amino-acid change (asparagine 1708 retained).
Molecular consequence: synonymous variant.
Genome position (GRCh38, 1-based): chr14:91,993,845, G>A on the plus strand (C>T on the coding strand, the complement: TRIP11 is on the minus strand). VCF-style: chr14-91993845-G-A. GRCh37 (hg19) VCF-style: chr14-92460189-G-A.
Other names: c.5121C>T, p.Asn1707= (NM_001321851.1).
Identifiers: ClinVar variation 1125915 (VCV001125915.14), dbSNP rs143872244, ClinGen allele CA7313277.

ClinVar aggregate classification (germline): Likely benign. Review status: criteria provided, multiple submitters, no conflicts (2 of 4 stars). 5 submissions from 5 submitters: Likely benign (5). Last evaluated 2026-05-01.

Conditions:
Achondrogenesis, type IA (ACG1A). Identifiers: Orphanet 932, Orphanet 93299, MedGen C0265273, MONDO:0008701, OMIM 200600.

Allele frequency attached by ClinVar (database versions not stated): ESP Exome Variant Server 0.00008; TOPMed 0.00016; gnomAD exomes 0.00028 and 0.00038; 1000 Genomes Project 30x 0.00031; gnomAD 0.00031 and 0.00032; 1000 Genomes Project 0.00040; ExAC 0.00044.
gnomAD v4.1: 455 of 1,613,654 alleles (0.028%); highest among the groups gnomAD compares: Non-Finnish European, 0.028%; 1 homozygote.

Submissions (5):

CeGaT Center for Human Genetics Tuebingen
Classification: Likely benign. Last evaluated: 2026-05-01. Review status: criteria provided, single submitter. Criteria: CeGaT Center For Human Genetics Tuebingen Variant Classification Criteria Version 2. Collection method: clinical testing. Allele origin: germline. Affected: yes. Observed: 1 variant allele.
Comment: TRIP11: BP4, BP7

Labcorp Genetics (formerly Invitae), Labcorp
Classification: Likely benign for Achondrogenesis, type IA. Last evaluated: 2026-01-09. Review status: criteria provided, single submitter. Criteria: Invitae Variant Classification Sherloc (09022015). Collection method: clinical testing. Allele origin: germline.

Laboratory of Genetics, Children's Clinical University Hospital Latvia
Classification: Likely benign. Last evaluated: 2025-02-16. Review status: criteria provided, single submitter. Criteria: ACMG Guidelines, 2015. Collection method: clinical testing. Allele origin: germline. Affected: yes.

Blueprint Genetics
Classification: Likely benign. Last evaluated: 2024-10-11. Review status: criteria provided, single submitter. Criteria: ACMG Guidelines, 2015. Collection method: clinical testing. Allele origin: germline.

ARUP Laboratories, Molecular Genetics and Genomics, ARUP Laboratories
Classification: Likely benign. Last evaluated: 2023-11-28. Review status: criteria provided, single submitter. Criteria: ARUP Molecular Germline Variant Investigation Process 2024. Collection method: clinical testing. Allele origin: germline.